The following is an entry in ClinVar:

ClinVar aggregate classification (germline): Uncertain significance. Review status: criteria provided, multiple submitters, no conflicts (2 of 4 stars). 2 submissions from 2 submitters: Uncertain significance (2). Last evaluated 2025-12-02.

Conditions:
Inborn genetic diseases. Identifiers: MedGen C0950123, MeSH D030342.

Allele frequency attached by ClinVar (database versions not stated): gnomAD exomes below 0.00001.

Submissions (2):

Ambry Genetics
Classification: Uncertain significance for Inborn genetic diseases. Last evaluated: 2025-12-02. Review status: criteria provided, single submitter. Criteria: Ambry Variant Classification Scheme 2023. Collection method: clinical testing. Allele origin: germline.

CeGaT Center for Human Genetics Tuebingen
Classification: Uncertain significance. Last evaluated: 2023-05-01. Review status: criteria provided, single submitter. Criteria: CeGaT Center For Human Genetics Tuebingen Variant Classification Criteria Version 2. Collection method: clinical testing. Allele origin: germline. Affected: yes. Observed: 1 variant allele.
Comment: STAG1: PP2

NM_005862.3(STAG1):c.3526A>G (p.Met1176Val)

Gene: STAG1 (STAG1 cohesin complex component; minus strand). Cytogenetic location: 3q22.3.
Variant type: single nucleotide variant.
Coding change: c.3526A>G on transcript NM_005862.3 (MANE Select); coding-DNA position 3526, A replaced by G.
Protein change: p.Met1176Val; replaces methionine 1176 with valine.
Molecular consequence: missense variant.
Genome position (GRCh38, 1-based): chr3:136,341,472, T>C on the plus strand (A>G on the coding strand, the complement: STAG1 is on the minus strand). VCF-style: chr3-136341472-T-C. GRCh37 (hg19) VCF-style: chr3-136060314-T-C.
Other names: c.3526A>G (NM_005862.2); short protein forms M1176V.
Identifiers: ClinVar variation 2654168 (VCV002654168.24), dbSNP rs1424000086, ClinGen allele CA354652239.